The following is an entry in ClinVar:

ClinVar aggregate classification (germline): Uncertain significance (1 of 4 stars; one submission).

gnomAD v4.1: 32 of 1,612,922 alleles (0.002%); highest among the groups gnomAD compares: African/African-American, 0.039%; no homozygotes.

Submission:

GeneDx
Classification: Uncertain significance. Last evaluated: 2023-07-20. Review status: criteria provided, single submitter. Criteria: GeneDx Variant Classification Process June 2021. Collection method: clinical testing. Allele origin: germline. Affected: yes.
Comment: In silico analysis supports that this missense variant has a deleterious effect on protein structure/function; Has not been previously published as pathogenic or benign to our knowledge

NM_003235.5(TG):c.4964C>T (p.Thr1655Ile)

Gene: TG (thyroglobulin; plus strand). Cytogenetic location: 8q24.22.
Variant type: single nucleotide variant.
Coding change: c.4964C>T on transcript NM_003235.5 (MANE Select); coding-DNA position 4964, C replaced by T.
Protein change: p.Thr1655Ile; replaces threonine 1655 with isoleucine.
Molecular consequence: missense variant.
Genome position (GRCh38, 1-based): chr8:132,935,787, C>T. VCF-style: chr8-132935787-C-T. GRCh37 (hg19) VCF-style: chr8-133948032-C-T.
Other names: short protein forms T1655I.
Identifiers: ClinVar variation 3361015 (VCV003361015.1).